The following is an entry in ClinVar:

ClinVar aggregate classification (germline): Likely benign (0 of 4 stars; one submission).

Conditions:
ASH1L-related disorder. Also called: ASH1L-related condition.

gnomAD v4.1: 76 of 1,614,024 alleles (0.0047%); highest among the groups gnomAD compares: Non-Finnish European, 0.00042%; no homozygotes.

Submission:

PreventionGenetics, part of Exact Sciences
Classification: Likely benign for ASH1L-related condition. Last evaluated: 2024-09-13. Review status: no assertion criteria provided. Collection method: clinical testing. Allele origin: germline.
Comment: This variant is classified as likely benign based on ACMG/AMP sequence variant interpretation guidelines (Richards et al. 2015 PMID: 25741868, with internal and published modifications).

NM_018489.3(ASH1L):c.5474A>C (p.His1825Pro)

Gene: ASH1L (ASH1 like histone lysine methyltransferase; minus strand). Cytogenetic location: 1q22.
Variant type: single nucleotide variant.
Coding change: c.5474A>C on transcript NM_018489.3 (MANE Select); coding-DNA position 5474, A replaced by C.
Protein change: p.His1825Pro; replaces histidine 1825 with proline.
Molecular consequence: missense variant.
Genome position (GRCh38, 1-based): chr1:155,438,681, T>G on the plus strand (A>C on the coding strand, the complement: ASH1L is on the minus strand). VCF-style: chr1-155438681-T-G. GRCh37 (hg19) VCF-style: chr1-155408472-T-G.
Other names: c.5474A>C, p.His1825Pro (NM_001366177.2); short protein forms H1825P.
Identifiers: ClinVar variation 3358052 (VCV003358052.1).